The following is an entry in ClinVar:

ClinVar aggregate classification (germline): Conflicting classifications of pathogenicity. Review status: criteria provided, conflicting classifications (1 of 4 stars). 11 submissions from 8 submitters: Uncertain significance (3); Benign (2); Likely benign (5). 1 of the submissions does not count toward it. Last evaluated 2026-03-01.

Conditions:
TWNK-related disorder. Also called: TWNK-related condition.
Autosomal recessive cerebellar ataxia. Also called: Spinocerebellar Ataxia, Recessive; Spinocerebellar ataxia, autosomal recessive. Identifiers: Orphanet 1172, MedGen C5575375, MONDO:0015244.
Hereditary spastic paraplegia. Also called: Familial spastic paraparesis. Identifiers: Orphanet 685, MedGen C0037773, MONDO:0019064. Disease mechanism: loss of function.
Infantile onset spinocerebellar ataxia (MTDPS7). Also called: Mitochondrial DNA depletion syndrome 7 (hepatocerebral type); OPHTHALMOPLEGIA, HYPOTONIA, ATAXIA, HYPOACUSIS, AND ATHETOSIS; OHAHA SYNDROME; SPINOCEREBELLAR ATAXIA, INFANTILE, WITH SENSORY NEUROPATHY. Identifiers: Orphanet 1186, MedGen C1849096, MONDO:0010060, OMIM 271245.
Progressive external ophthalmoplegia with mitochondrial DNA deletions, autosomal dominant 3. Also called: PROGRESSIVE EXTERNAL OPHTHALMOPLEGIA, AUTOSOMAL DOMINANT 3. Identifiers: MedGen C1836439, MONDO:0012241, OMIM 609286.
Sensory ataxic neuropathy, dysarthria, and ophthalmoparesis (SANDO). Also called: Sensory ataxic neuropathy-dysarthria-ophthalmoparesis syndrome; Ataxia Neuropathy Spectrum (ANS); SENSORY ATAXIC NEUROPATHY WITH MITOCHONDRIAL DNA DELETIONS, AUTOSOMAL RECESSIVE; Epilepsy, progressive myoclonic, type 5. Identifiers: Orphanet 70595, MedGen C1843851, MONDO:0011835, OMIM 607459.

Allele frequency attached by ClinVar (database versions not stated): 1000 Genomes Project 30x 0.00016; 1000 Genomes Project 0.00020; ESP Exome Variant Server 0.00038; TOPMed 0.00049.
gnomAD v4.1: 911 of 1,614,100 alleles (0.056%); highest among the groups gnomAD compares: Admixed American, 0.27%; no homozygotes.

Submissions (11):

CeGaT Center for Human Genetics Tuebingen
Classification: Likely benign. Last evaluated: 2026-03-01. Review status: criteria provided, single submitter. Criteria: CeGaT Center For Human Genetics Tuebingen Variant Classification Criteria Version 2. Collection method: clinical testing. Allele origin: germline. Affected: yes. Observed: 6 variant alleles.
Comment: TWNK: BP4

Labcorp Genetics (formerly Invitae), Labcorp
Classification: Likely benign. Last evaluated: 2026-01-26. Review status: criteria provided, single submitter. Criteria: Invitae Variant Classification Sherloc (09022015). Collection method: clinical testing. Allele origin: germline.

Mayo Clinic Laboratories, Mayo Clinic
Classification: Likely benign. Last evaluated: 2025-07-18. Review status: criteria provided, single submitter. Criteria: ACMG Guidelines, 2015. Collection method: clinical testing. Allele origin: germline. Observed: 4 variant alleles.
Comment: BS1, BP4

Blueprint Genetics
Classification: Uncertain significance. Last evaluated: 2024-10-25. Review status: criteria provided, single submitter. Criteria: ACMG Guidelines, 2015. Collection method: clinical testing. Allele origin: germline.

Genome Diagnostics Laboratory, The Hospital for Sick Children
Classification: Likely benign for Hereditary spastic paraplegia. Last evaluated: 2021-06-03. Review status: criteria provided, single submitter. Criteria: ACMG Guidelines, 2015. Collection method: clinical testing. Allele origin: germline. Affected: yes.

GeneDx
Classification: Likely benign. Last evaluated: 2020-12-15. Review status: criteria provided, single submitter. Criteria: GeneDx Variant Classification Process June 2021. Collection method: clinical testing. Allele origin: germline. Affected: yes.
Comment: This variant is associated with the following publications: (PMID: 32283748)

Illumina Laboratory Services, Illumina
Classification: Uncertain significance for Infantile onset spinocerebellar ataxia. Last evaluated: 2018-01-13. Review status: criteria provided, single submitter. Criteria: ICSL Variant Classification Criteria 13 December 2019. Collection method: clinical testing. Allele origin: germline.

Illumina Laboratory Services, Illumina
Classification: Benign for Sensory ataxic neuropathy-dysarthria-ophthalmoparesis syndrome. Last evaluated: 2018-01-13. Review status: criteria provided, single submitter. Criteria: ICSL Variant Classification Criteria 13 December 2019. Collection method: clinical testing. Allele origin: germline.
Comment: This variant was observed in the ICSL laboratory as part of a predisposition screen in an ostensibly healthy population. It had not been previously curated by ICSL or reported in the Human Gene Mutation Database (HGMD: prior to June 1st, 2018), and was therefore a candidate for classification through an automated scoring system. Utilizing variant allele frequency, disease prevalence and penetrance estimates, and inheritance mode, an automated score was calculated to assess if this variant is too frequent to cause the disease. Based on the score and internal cut-off values, a variant classified as benign is not then subjected to further curation. The score for this variant resulted in a classification of benign for this disease.

Illumina Laboratory Services, Illumina
Classification: Benign for Progressive external ophthalmoplegia with mitochondrial DNA deletions, autosomal dominant 3. Last evaluated: 2018-01-13. Review status: criteria provided, single submitter. Criteria: ICSL Variant Classification Criteria 13 December 2019. Collection method: clinical testing. Allele origin: germline.
Comment: the same text as in the submission from Illumina Laboratory Services, Illumina above.

Illumina Laboratory Services, Illumina
Classification: Uncertain significance for Autosomal recessive cerebellar ataxia. Last evaluated: 2018-01-13. Review status: criteria provided, single submitter. Criteria: ICSL Variant Classification Criteria 13 December 2019. Collection method: clinical testing. Allele origin: germline.

PreventionGenetics, part of Exact Sciences
Classification: Likely benign for TWNK-related condition. Last evaluated: 2022-02-01. Review status: no assertion criteria provided. Collection method: clinical testing. Allele origin: germline. Not counted in ClinVar's aggregate classification.
Comment: This variant is classified as likely benign based on ACMG/AMP sequence variant interpretation guidelines (Richards et al. 2015 PMID: 25741868, with internal and published modifications).

Literature cited by the submitters: PubMed 32283748 (cited by Mayo Clinic Laboratories, Mayo Clinic); PubMed 37302426 (cited by Mayo Clinic Laboratories, Mayo Clinic).

NM_021830.5(TWNK):c.2045G>A (p.Arg682His)

Gene: TWNK (twinkle mtDNA helicase; plus strand). Cytogenetic location: 10q24.31.
Variant type: single nucleotide variant.
Coding change: c.2045G>A on transcript NM_021830.5 (MANE Select); coding-DNA position 2045, G replaced by A.
Protein change: p.Arg682His; replaces arginine 682 with histidine.
Molecular consequence: missense variant. On other transcripts: 3 prime UTR variant (2), non-coding transcript variant (5).
Genome position (GRCh38, 1-based): chr10:100,993,500, G>A. VCF-style: chr10-100993500-G-A. GRCh37 (hg19) VCF-style: chr10-102753257-G-A.
Other names: p.R682H:CGT>CAT; p.Arg682His; c.*340G>A (NM_001163812.2, NM_001163814.2); c.683G>A, p.Arg228His (NM_001163813.2, NM_001368275.1); short protein forms R682H, R228H.
Identifiers: ClinVar variation 214180 (VCV000214180.63), dbSNP rs182559752, ClinGen allele CA323951.
Genomic context (GRCh38, chr10:100,993,500, plus strand): 5'-AGAACTCTGAGATTTGCTCAGGCCAGGCCCCCACTCCCGACCAGCCAGACACCTCCAAGC[G>A]TTCAAAGTGAAGGCCGTGCAGAGCTGGTCACTGAAATGAGCCTGATAGGATAGGCTGGAG-3'
Protein context (NP_068602.2, residues 672-684): PTPDQPDTSK[Arg682His]SK